The following is an entry in ClinVar:

NM_032043.3(BRIP1):c.3503_3504del (p.Lys1168fs)

Gene: BRIP1 (BRCA1 interacting DNA helicase 1; minus strand). Cytogenetic location: 17q23.2.
Variant type: Deletion.
Coding change: c.3503_3504del on transcript NM_032043.3 (MANE Select); coding-DNA positions 3503 to 3504, 2 bases deleted (AA; older notation c.3503_3504delAA).
Protein change: p.Lys1168fs; shifts the reading frame from lysine 1168.
Molecular consequence: frameshift variant.
Genome position (GRCh38, 1-based): chr17:61,683,542-61,683,543, TT deleted on the plus strand (AA on the coding strand, the reverse complement: BRIP1 is on the minus strand); deleting any 2 consecutive bases within chr17:61,683,542-61,683,544 gives the same sequence; the c. name uses the placement nearest the transcript's 3' end. VCF-style (leftmost placement, unchanged base first): chr17-61683541-CTT-C. GRCh37 (hg19) VCF-style: chr17-59760902-CTT-C.
Other names: c.3503_3504delAA (NM_032043.2); short protein forms K1168fs.
Identifiers: ClinVar variation 1732085 (VCV001732085.2), dbSNP rs2544554739, ClinGen allele CA2580094555.
Genomic context (GRCh38, chr17:61,683,541, plus strand): 5'-CCTCAGCTTTCACTTCTCTGGCTGAATCTACTTCTTTTATAGTTCTAATTTCAAAAAGGT[CTT>C]TAGCTAAAATGCAATCTGAATTGTTAGCCAATCTATTTCCTCTATCAGTTTCAGCTAGGT-3'

ClinVar aggregate classification (germline): Uncertain significance (1 of 4 stars; one submission).

Conditions:
Hereditary cancer-predisposing syndrome. Also called: Neoplastic Syndromes, Hereditary; Tumor predisposition; Hereditary Cancer Syndrome; Hereditary neoplastic syndrome. Identifiers: Orphanet 140162, MedGen C0027672, MeSH D009386, MONDO:0015356.

Submission:

Ambry Genetics
Classification: Uncertain significance for Hereditary cancer-predisposing syndrome. Last evaluated: 2021-11-01. Review status: criteria provided, single submitter. Criteria: Ambry Variant Classification Scheme 2023. Collection method: clinical testing. Allele origin: germline.
Comment: The c.3503_3504delAA variant, located in coding exon 19 of the BRIP1 gene, results from a deletion of two nucleotides at nucleotide positions 3503 to 3504, causing a translational frameshift with a predicted alternate stop codon (p.K1168Rfs*4). This alteration occurs at the 3' terminus of theBRIP1 gene, is not expected to trigger nonsense-mediated mRNAdecay, and only impacts the last 82 amino acids of the protein. Since supporting evidence is limited at this time, the clinical significance of this alteration remains unclear.